The following is an entry in ClinVar:

ClinVar aggregate classification (germline): Pathogenic (1 of 4 stars; one submission).

Submission:

GeneDx
Classification: Pathogenic. Last evaluated: 2025-05-07. Review status: criteria provided, single submitter. Criteria: GeneDx Variant Classification Process June 2021. Collection method: clinical testing. Allele origin: germline. Affected: yes.
Comment: Frameshift variant predicted to result in protein truncation or nonsense mediated decay in a gene for which loss of function is a known mechanism of disease; Has not been previously published as pathogenic or benign to our knowledge

NM_002430.3(MN1):c.2301del (p.Ser768fs)

Gene: MN1 (MN1 proto-oncogene, transcriptional regulator; minus strand). Cytogenetic location: 22q12.1.
Variant type: Deletion.
Coding change: c.2301del on transcript NM_002430.3 (MANE Select); coding-DNA position 2301, one base deleted (C; older notation c.2301delC).
Protein change: p.Ser768fs; shifts the reading frame from serine 768.
Molecular consequence: frameshift variant.
Genome position (GRCh38, 1-based): chr22:27,798,243, G deleted on the plus strand (C on the coding strand, the reverse complement: MN1 is on the minus strand); the first of 6 consecutive G bases (chr22:27,798,243-27,798,248); deleting any one gives the same sequence. VCF-style (leftmost placement, unchanged base first): chr22-27798242-TG-T. GRCh37 (hg19) VCF-style: chr22-28194230-TG-T.
Other names: short protein forms S768fs.
Identifiers: ClinVar variation 4527027 (VCV004527027.1).